The following is an entry in ClinVar:

ClinVar aggregate classification (germline): Conflicting classifications of pathogenicity. Review status: criteria provided, conflicting classifications (1 of 4 stars). 9 submissions from 8 submitters: Uncertain significance (2); Likely benign (4). 3 of the submissions do not count toward it. Last evaluated 2025-07-30.

Conditions:
CEP152-related disorder. Also called: CEP152-related condition; CEP152-related disorders. Identifiers: MedGen CN239248.
Inborn genetic diseases. Identifiers: MedGen C0950123, MeSH D030342.
Seckel syndrome 5 (SCKL5). Identifiers: Orphanet 808, MedGen C3151187, MONDO:0013443, OMIM 613823.
Microcephaly 9, primary, autosomal recessive. Identifiers: Orphanet 2512, MedGen C3553886, MONDO:0013923, OMIM 614852.

Allele frequency attached by ClinVar (database versions not stated): gnomAD exomes 0.00011 and 0.00024; ExAC 0.00025; ESP Exome Variant Server 0.00092; gnomAD 0.00113 and 0.00118; 1000 Genomes Project 0.00120; TOPMed 0.00122; 1000 Genomes Project 30x 0.00156.
gnomAD v4.1: 340 of 1,613,904 alleles (0.021%); highest among the groups gnomAD compares: African/African-American, 0.41%; 2 homozygotes.

Submissions (9):

Labcorp Genetics (formerly Invitae), Labcorp
Classification: Likely benign. Last evaluated: 2025-07-30. Review status: criteria provided, single submitter. Criteria: Invitae Variant Classification Sherloc (09022015). Collection method: clinical testing. Allele origin: germline.

Ambry Genetics
Classification: Likely benign for Inborn genetic diseases. Last evaluated: 2022-06-13. Review status: criteria provided, single submitter. Criteria: Ambry Variant Classification Scheme 2023. Collection method: clinical testing. Allele origin: germline.

GeneDx
Classification: Likely benign. Last evaluated: 2019-07-01. Review status: criteria provided, single submitter. Criteria: GeneDx Variant Classification Process June 2021. Collection method: clinical testing. Allele origin: germline. Affected: yes.

Illumina Laboratory Services, Illumina
Classification: Uncertain significance for Seckel syndrome 5. Last evaluated: 2018-01-12. Review status: criteria provided, single submitter. Criteria: ICSL Variant Classification Criteria 13 December 2019. Collection method: clinical testing. Allele origin: germline.

Illumina Laboratory Services, Illumina
Classification: Uncertain significance for Microcephaly 9, primary, autosomal recessive. Last evaluated: 2018-01-12. Review status: criteria provided, single submitter. Criteria: ICSL Variant Classification Criteria 13 December 2019. Collection method: clinical testing. Allele origin: germline.

Eurofins Ntd Llc (ga)
Classification: Likely benign. Last evaluated: 2017-06-13. Review status: criteria provided, single submitter. Criteria: EGL Classification Definitions 2015. Collection method: clinical testing. Allele origin: germline. Observed: 1 variant allele, 1 heterozygote.

PreventionGenetics, part of Exact Sciences
Classification: Likely benign for CEP152-related condition. Last evaluated: 2023-02-24. Review status: no assertion criteria provided. Collection method: clinical testing. Allele origin: germline. Not counted in ClinVar's aggregate classification.
Comment: This variant is classified as likely benign based on ACMG/AMP sequence variant interpretation guidelines (Richards et al. 2015 PMID: 25741868, with internal and published modifications).

Clinical Genetics DNA and cytogenetics Diagnostics Lab, Erasmus MC, Erasmus Medical Center
Classification: Likely benign. Review status: no assertion criteria provided. Collection method: clinical testing. Allele origin: germline. Affected: yes. Study: VKGL Data-share Consensus. Not counted in ClinVar's aggregate classification.

Laboratory of Diagnostic Genome Analysis, Leiden University Medical Center (LUMC)
Classification: Likely benign. Review status: no assertion criteria provided. Collection method: clinical testing. Allele origin: germline. Affected: yes. Study: VKGL Data-share Consensus. Not counted in ClinVar's aggregate classification.

NM_001194998.2(CEP152):c.982A>C (p.Lys328Gln)

Gene: CEP152 (centrosomal protein 152; minus strand). Cytogenetic location: 15q21.1.
Variant type: single nucleotide variant.
Coding change: c.982A>C on transcript NM_001194998.2 (MANE Select); coding-DNA position 982, A replaced by C.
Protein change: p.Lys328Gln; replaces lysine 328 with glutamine.
Molecular consequence: missense variant.
Genome position (GRCh38, 1-based): chr15:48,788,992, T>G on the plus strand (A>C on the coding strand, the complement: CEP152 is on the minus strand). VCF-style: chr15-48788992-T-G. GRCh37 (hg19) VCF-style: chr15-49081189-T-G.
Other names: c.982A>C (NM_001194998.1); c.982A>C, p.Lys328Gln (NM_014985.4); short protein forms K328Q.
Identifiers: ClinVar variation 388204 (VCV000388204.24), dbSNP rs201942310, ClinGen allele CA7548962.